The following is an entry in ClinVar:

ClinVar aggregate classification (germline): Uncertain significance (1 of 4 stars; one submission).

Conditions:
Developmental and epileptic encephalopathy 94 (DEE94). Also called: Epileptic encephalopathy, childhood-onset; CHD2-Related Neurodevelopmental Disorders. Identifiers: Orphanet 1942, Orphanet 2382, MedGen C3809278, MONDO:0014150, OMIM 615369.

gnomAD v4.1: 1 of 1,613,598 alleles (0.000062%); highest among the groups gnomAD compares: Non-Finnish European, 0.000085%; no homozygotes.

Submission:

Labcorp Genetics (formerly Invitae), Labcorp
Classification: Uncertain significance for Developmental and epileptic encephalopathy 94. Last evaluated: 2024-11-21. Review status: criteria provided, single submitter. Criteria: Invitae Variant Classification Sherloc (09022015). Collection method: clinical testing. Allele origin: germline.
Comment: This sequence change replaces isoleucine, which is neutral and non-polar, with valine, which is neutral and non-polar, at codon 1156 of the CHD2 protein (p.Ile1156Val). This variant is not present in population databases (gnomAD no frequency). This variant has not been reported in the literature in individuals affected with CHD2-related conditions. Invitae Evidence Modeling of protein sequence and biophysical properties (such as structural, functional, and spatial information, amino acid conservation, physicochemical variation, residue mobility, and thermodynamic stability) indicates that this missense variant is not expected to disrupt CHD2 protein function with a negative predictive value of 95%. In summary, the available evidence is currently insufficient to determine the role of this variant in disease. Therefore, it has been classified as a Variant of Uncertain Significance.

NM_001271.4(CHD2):c.3466A>G (p.Ile1156Val)

Gene: CHD2 (chromodomain helicase DNA binding protein 2; plus strand). Cytogenetic location: 15q26.1.
Variant type: single nucleotide variant.
Coding change: c.3466A>G on transcript NM_001271.4 (MANE Select); coding-DNA position 3466, A replaced by G.
Protein change: p.Ile1156Val; replaces isoleucine 1156 with valine.
Molecular consequence: missense variant.
Genome position (GRCh38, 1-based): chr15:92,992,869, A>G. VCF-style: chr15-92992869-A-G. GRCh37 (hg19) VCF-style: chr15-93536099-A-G.
Other names: short protein forms I1156V.
Identifiers: ClinVar variation 3636684 (VCV003636684.2).